The following is an entry in ClinVar:

ClinVar aggregate classification (germline): Uncertain significance. Review status: criteria provided, multiple submitters, no conflicts (2 of 4 stars). 2 submissions from 2 submitters: Uncertain significance (2). Last evaluated 2024-10-04.

Conditions:
Hereditary pancreatitis (PCTT). Also called: Hereditary chronic pancreatitis; PRSS1-Related Hereditary Pancreatitis. Identifiers: Orphanet 676, MedGen C0238339, MONDO:0008185, OMIM 167800.

Allele frequency attached by ClinVar (database versions not stated): TOPMed below 0.00001.

Submissions (2):

Ambry Genetics
Classification: Uncertain significance for Hereditary pancreatitis. Last evaluated: 2024-10-04. Review status: criteria provided, single submitter. Criteria: Ambry Variant Classification Scheme 2023. Collection method: clinical testing. Allele origin: germline.
Comment: The p.Q86K variant (also known as c.256C>A), located in coding exon 3 of the PRSS1 gene, results from a C to A substitution at nucleotide position 256. The glutamine at codon 86 is replaced by lysine, an amino acid with similar properties. This amino acid position is conserved. In addition, the in silico prediction for this alteration is inconclusive. Since supporting evidence is limited at this time, the clinical significance of this alteration remains unclear.

Labcorp Genetics (formerly Invitae), Labcorp
Classification: Uncertain significance for Hereditary pancreatitis. Last evaluated: 2022-08-12. Review status: criteria provided, single submitter. Criteria: Invitae Variant Classification Sherloc (09022015). Collection method: clinical testing. Allele origin: germline.
Comment: This sequence change replaces glutamine, which is neutral and polar, with lysine, which is basic and polar, at codon 86 of the PRSS1 protein (p.Gln86Lys). This variant is not present in population databases (gnomAD no frequency). This variant has not been reported in the literature in individuals affected with PRSS1-related conditions. Algorithms developed to predict the effect of missense changes on protein structure and function are either unavailable or do not agree on the potential impact of this missense change (SIFT: "Tolerated"; PolyPhen-2: "Possibly Damaging"; Align-GVGD: "Class C0"). In summary, the available evidence is currently insufficient to determine the role of this variant in disease. Therefore, it has been classified as a Variant of Uncertain Significance.

NM_002769.5(PRSS1):c.256C>A (p.Gln86Lys)

Genes: TRB (T cell receptor beta locus; plus strand), PRSS1 (serine protease 1; plus strand). Cytogenetic location: 7q34.
Variant type: single nucleotide variant.
Coding change: c.256C>A on transcript NM_002769.5 (MANE Select); coding-DNA position 256, C replaced by A.
Protein change: p.Gln86Lys; replaces glutamine 86 with lysine.
Molecular consequence: missense variant. On other transcripts: non-coding transcript variant (3).
Genome position (GRCh38, 1-based): chr7:142,751,829, C>A. VCF-style: chr7-142751829-C-A. GRCh37 (hg19) VCF-style: chr7-142459680-C-A.
Other names: short protein forms Q86K.
Identifiers: ClinVar variation 1793212 (VCV001793212.8), dbSNP rs146398318, ClinGen allele CA369608546.